The following is an entry in ClinVar:

ClinVar aggregate classification (germline): Uncertain significance. Review status: criteria provided, multiple submitters, no conflicts (2 of 4 stars). 2 submissions from 2 submitters: Uncertain significance (2). Last evaluated 2024-08-12.

Conditions:
Inborn genetic diseases. Identifiers: MedGen C0950123, MeSH D030342.
Imerslund-Grasbeck syndrome. Also called: ENTEROCYTE COBALAMIN MALABSORPTION; ENTEROCYTE INTRINSIC FACTOR RECEPTOR, DEFECT OF; Imerslund-Gräsbeck syndrome; Megaloblastic anemia due to inborn errors of metabolism; PERNICIOUS ANEMIA, JUVENILE, DUE TO SELECTIVE INTESTINAL MALABSORPTION OF VITAMIN B12, WITH PROTEINURIA. Identifiers: Orphanet 35858, MedGen C4551825, MONDO:0009853.

Allele frequency attached by ClinVar (database versions not stated): gnomAD 0.00004; ExAC 0.00005; gnomAD exomes 0.00005; TOPMed 0.00007.

Submissions (2):

Ambry Genetics
Classification: Uncertain significance for Inborn genetic diseases. Last evaluated: 2024-08-12. Review status: criteria provided, single submitter. Criteria: Ambry Variant Classification Scheme 2023. Collection method: clinical testing. Allele origin: germline.

Labcorp Genetics (formerly Invitae), Labcorp
Classification: Uncertain significance for Imerslund-Grasbeck syndrome. Last evaluated: 2022-04-29. Review status: criteria provided, single submitter. Criteria: Invitae Variant Classification Sherloc (09022015). Collection method: clinical testing. Allele origin: germline.
Comment: This sequence change replaces arginine, which is basic and polar, with tryptophan, which is neutral and slightly polar, at codon 1345 of the CUBN protein (p.Arg1345Trp). This variant is present in population databases (rs770413754, gnomAD 0.03%). This variant has not been reported in the literature in individuals affected with CUBN-related conditions. Algorithms developed to predict the effect of missense changes on protein structure and function are either unavailable or do not agree on the potential impact of this missense change (SIFT: "Deleterious"; PolyPhen-2: "Possibly Damaging"; Align-GVGD: "Class C0"). In summary, the available evidence is currently insufficient to determine the role of this variant in disease. Therefore, it has been classified as a Variant of Uncertain Significance.

NM_001081.4(CUBN):c.4033C>T (p.Arg1345Trp)

Gene: CUBN (cubilin; minus strand). Cytogenetic location: 10p13.
Variant type: single nucleotide variant.
Coding change: c.4033C>T on transcript NM_001081.4 (MANE Select); coding-DNA position 4033, C replaced by T.
Protein change: p.Arg1345Trp; replaces arginine 1345 with tryptophan.
Molecular consequence: missense variant.
Genome position (GRCh38, 1-based): chr10:17,019,968, G>A on the plus strand (C>T on the coding strand, the complement: CUBN is on the minus strand). VCF-style: chr10-17019968-G-A. GRCh37 (hg19) VCF-style: chr10-17061967-G-A.
Other names: short protein forms R1345W.
Identifiers: ClinVar variation 2117372 (VCV002117372.4), dbSNP rs770413754, ClinGen allele CA5424503.